The following is an entry in ClinVar:

ClinVar aggregate classification (germline): Benign (0 of 4 stars; one submission).

Conditions:
NLRP14-related disorder. Also called: NLRP14-related condition.

Allele frequency attached by ClinVar (database versions not stated): gnomAD exomes 0.00043; ExAC 0.00127; gnomAD 0.00421; 1000 Genomes Project 30x 0.00453; 1000 Genomes Project 0.00459; ESP Exome Variant Server 0.00469; TOPMed 0.00500.

Submission:

PreventionGenetics, part of Exact Sciences
Classification: Benign for NLRP14-related condition. Last evaluated: 2019-05-22. Review status: no assertion criteria provided. Collection method: clinical testing. Allele origin: germline.
Comment: This variant is classified as benign based on ACMG/AMP sequence variant interpretation guidelines (Richards et al. 2015 PMID: 25741868, with internal and published modifications).

NM_176822.4(NLRP14):c.3057G>A (p.Met1019Ile)

Gene: NLRP14 (NLR family pyrin domain containing 14; plus strand). Cytogenetic location: 11p15.4.
Variant type: single nucleotide variant.
Coding change: c.3057G>A on transcript NM_176822.4 (MANE Select); coding-DNA position 3057, G replaced by A.
Protein change: p.Met1019Ile; replaces methionine 1019 with isoleucine.
Molecular consequence: missense variant.
Genome position (GRCh38, 1-based): chr11:7,070,367, G>A. VCF-style: chr11-7070367-G-A. GRCh37 (hg19) VCF-style: chr11-7091598-G-A.
Other names: short protein forms M1019I.
Identifiers: ClinVar variation 3041280 (VCV003041280.2), dbSNP rs115776642, ClinGen allele CA5865246.